The following is an entry in ClinVar:

ClinVar aggregate classification (germline): Uncertain significance (1 of 4 stars; one submission).

Submission:

Labcorp Genetics (formerly Invitae), Labcorp
Classification: Uncertain significance. Last evaluated: 2020-12-22. Review status: criteria provided, single submitter. Criteria: Invitae Variant Classification Sherloc (09022015). Collection method: clinical testing. Allele origin: germline.
Comment: This sequence change replaces proline with arginine at codon 1185 of the COL4A3 protein (p.Pro1185Arg). The proline residue is moderately conserved and there is a moderate physicochemical difference between proline and arginine. This variant is not present in population databases (ExAC no frequency). This variant has not been reported in the literature in individuals with COL4A3-related conditions. Advanced modeling of protein sequence and biophysical properties (such as structural, functional, and spatial information, amino acid conservation, physicochemical variation, residue mobility, and thermodynamic stability) performed at Invitae indicates that this missense variant is not expected to disrupt COL4A3 protein function. In summary, the available evidence is currently insufficient to determine the role of this variant in disease. Therefore, it has been classified as a Variant of Uncertain Significance.

NM_000091.5(COL4A3):c.3554C>G (p.Pro1185Arg)

Genes: COL4A3 (collagen type IV alpha 3 chain; plus strand), MFF-DT (MFF divergent transcript; minus strand). Cytogenetic location: 2q36.3.
Variant type: single nucleotide variant.
Coding change: c.3554C>G on transcript NM_000091.5 (MANE Select); coding-DNA position 3554, C replaced by G.
Protein change: p.Pro1185Arg; replaces proline 1185 with arginine.
Molecular consequence: missense variant.
Genome position (GRCh38, 1-based): chr2:227,295,305, C>G. VCF-style: chr2-227295305-C-G. GRCh37 (hg19) VCF-style: chr2-228160021-C-G.
Other names: short protein forms P1185R.
Identifiers: ClinVar variation 1917920 (VCV001917920.2), dbSNP rs1427036025, ClinGen allele CA350859342.